The following is an entry in ClinVar:

NM_014363.6(SACS):c.10191T>C (p.His3397=)

Gene: SACS (sacsin molecular chaperone; minus strand). Cytogenetic location: 13q12.12.
Variant type: single nucleotide variant.
Coding change: c.10191T>C on transcript NM_014363.6 (MANE Select); coding-DNA position 10191, T replaced by C.
Protein change: p.His3397=; no amino-acid change (histidine 3397 retained).
Molecular consequence: synonymous variant.
Genome position (GRCh38, 1-based): chr13:23,333,685, A>G on the plus strand (T>C on the coding strand, the complement: SACS is on the minus strand). VCF-style: chr13-23333685-A-G. GRCh37 (hg19) VCF-style: chr13-23907824-A-G.
Other names: p.His3397=; c.9750T>C, p.His3250= (NM_001278055.2).
Identifiers: ClinVar variation 1121335 (VCV001121335.10), dbSNP rs1289389815, ClinGen allele CA483159526.

ClinVar aggregate classification (germline): Likely benign. Review status: criteria provided, multiple submitters, no conflicts (2 of 4 stars). 2 submissions from 2 submitters: Likely benign (2). Last evaluated 2025-12-08.

Conditions:
Spastic paraplegia. Identifiers: MedGen C0037772, HP:0001258.

Allele frequency attached by ClinVar (database versions not stated): gnomAD 0.00001; gnomAD exomes 0.00001; TOPMed 0.00002.
gnomAD v4.1: 28 of 1,613,680 alleles (0.0017%); highest among the groups gnomAD compares: Non-Finnish European, 0.0023%; no homozygotes.

Submissions (2):

Labcorp Genetics (formerly Invitae), Labcorp
Classification: Likely benign for Spastic paraplegia. Last evaluated: 2025-12-08. Review status: criteria provided, single submitter. Criteria: Invitae Variant Classification Sherloc (09022015). Collection method: clinical testing. Allele origin: germline.

Mayo Clinic Laboratories, Mayo Clinic
Classification: Likely benign. Last evaluated: 2025-12-07. Review status: criteria provided, single submitter. Criteria: ACMG Guidelines, 2015. Collection method: clinical testing. Allele origin: germline. Observed: 1 variant allele.
Comment: BP4, BP7